The following is an entry in ClinVar:

NM_004826.4(ECEL1):c.626G>T (p.Gly209Val)

Gene: ECEL1 (endothelin converting enzyme like 1; minus strand). Cytogenetic location: 2q37.1.
Variant type: single nucleotide variant.
Coding change: c.626G>T on transcript NM_004826.4 (MANE Select); coding-DNA position 626, G replaced by T.
Protein change: p.Gly209Val; replaces glycine 209 with valine.
Molecular consequence: missense variant.
Genome position (GRCh38, 1-based): chr2:232,486,028, C>A on the plus strand (G>T on the coding strand, the complement: ECEL1 is on the minus strand). VCF-style: chr2-232486028-C-A. GRCh37 (hg19) VCF-style: chr2-233350738-C-A.
Other names: c.626G>T, p.Gly209Val (NM_001290787.2); c.626G>T (NM_004826.2); short protein forms G209V.
Identifiers: ClinVar variation 1676535 (VCV001676535.4), dbSNP rs774295158, ClinGen allele CA351002837.

ClinVar aggregate classification (germline): Uncertain significance. Review status: criteria provided, multiple submitters, no conflicts (2 of 4 stars). 2 submissions from 2 submitters: Uncertain significance (2). Last evaluated 2025-11-03.

Conditions:
Inborn genetic diseases. Identifiers: MedGen C0950123, MeSH D030342.

Submissions (2):

Ambry Genetics
Classification: Uncertain significance for Inborn genetic diseases. Last evaluated: 2025-11-03. Review status: criteria provided, single submitter. Criteria: Ambry Variant Classification Scheme 2023. Collection method: clinical testing. Allele origin: germline.

Greenwood Genetic Center Diagnostic Laboratories, Greenwood Genetic Center
Classification: Uncertain significance. Last evaluated: 2022-01-20. Review status: criteria provided, single submitter. Criteria: ACMG Guidelines, 2015. Collection method: clinical testing. Allele origin: germline. Affected: yes.
Comment: PM2